The following is an entry in ClinVar:

ClinVar aggregate classification (germline): Benign (0 of 4 stars; one submission).

Conditions:
DNMBP-related disorder. Also called: DNMBP-related condition.

Allele frequency attached by ClinVar (database versions not stated): ESP Exome Variant Server 0.00108; gnomAD 0.00538; TOPMed 0.00601; ExAC 0.01086; 1000 Genomes Project 30x 0.01843; 1000 Genomes Project 0.01917.
gnomAD v4.1: 7,612 of 1,614,234 alleles (0.47%); highest among the groups gnomAD compares: East Asian, 8.1%; 195 homozygotes.

Submission:

PreventionGenetics, part of Exact Sciences
Classification: Benign for DNMBP-related condition. Last evaluated: 2019-04-09. Review status: no assertion criteria provided. Collection method: clinical testing. Allele origin: germline.
Comment: This variant is classified as benign based on ACMG/AMP sequence variant interpretation guidelines (Richards et al. 2015 PMID: 25741868, with internal and published modifications).

NM_015221.4(DNMBP):c.4500G>A (p.Pro1500=)

Gene: DNMBP (dynamin binding protein; minus strand). Cytogenetic location: 10q24.2.
Variant type: single nucleotide variant.
Coding change: c.4500G>A on transcript NM_015221.4 (MANE Select); coding-DNA position 4500, G replaced by A.
Protein change: p.Pro1500=; no amino-acid change (proline 1500 retained).
Molecular consequence: synonymous variant.
Genome position (GRCh38, 1-based): chr10:99,879,859, C>T on the plus strand (G>A on the coding strand, the complement: DNMBP is on the minus strand). VCF-style: chr10-99879859-C-T. GRCh37 (hg19) VCF-style: chr10-101639616-C-T.
Other names: c.3396G>A, p.Pro1132= (NM_001318326.2); c.2238G>A, p.Pro746= (NM_001318327.2).
Identifiers: ClinVar variation 3033669 (VCV003033669.2), dbSNP rs77307082, ClinGen allele CA5644285.